The following is an entry in ClinVar:

ClinVar aggregate classification (germline): Benign (1 of 4 stars; one submission).

Allele frequency attached by ClinVar (database versions not stated): TOPMed 0.10281; 1000 Genomes Project 30x 0.14600; 1000 Genomes Project 0.14816.
gnomAD v4.1: 132,369 of 1,016,098 alleles (13%); highest among the groups gnomAD compares: East Asian, 32%; 9,914 homozygotes.

Submission:

Unidad de Genómica Garrahan, Hospital de Pediatría Garrahan
Classification: Benign. Last evaluated: 2024-01-24. Review status: criteria provided, single submitter. Criteria: ACMG Guidelines, 2015. Collection method: clinical testing. Allele origin: germline. Affected: no. Observed: 22 variant alleles.
Comment: This variant is classified as Benign based on local population frequency. This variant was detected in 25% of patients studied by a panel of primary immunodeficiencies. Number of patients: 22. Only high quality variants are reported.

NM_018248.3(NEIL3):c.628-65C>T

Gene: NEIL3 (nei like DNA glycosylase 3; plus strand). Cytogenetic location: 4q34.3.
Variant type: single nucleotide variant.
Coding change: c.628-65C>T on transcript NM_018248.3 (MANE Select); 65 bases into the intron before coding-DNA position 628, C replaced by T.
Molecular consequence: intron variant.
Genome position (GRCh38, 1-based): chr4:177,339,718, C>T. VCF-style: chr4-177339718-C-T. GRCh37 (hg19) VCF-style: chr4-178260872-C-T.
Identifiers: ClinVar variation 2688480 (VCV002688480.2), dbSNP rs12645561, ClinGen allele CA15325789.
Genomic context (GRCh38, chr4:177,339,718, plus strand): 5'-GTTCAAAGGTCAGCTGTATTCAAAATCTATTTACAGTTCTCTTTCACAGAATTGGCAAGG[C>T]GTATTATTTCTTACAGTAATGAGCAAGTCATGAAACTAGGCTCTGCTGTTTTTTCCACTT-3'